The following is an entry in ClinVar:

NM_198252.3(GSN):c.1643C>T (p.Pro548Leu)

Gene: GSN (gelsolin; plus strand). Cytogenetic location: 9q33.2.
Variant type: single nucleotide variant.
Coding change: c.1643C>T on transcript NM_198252.3 (MANE Select); coding-DNA position 1643, C replaced by T.
Protein change: p.Pro548Leu; replaces proline 548 with leucine.
Molecular consequence: missense variant.
Genome position (GRCh38, 1-based): chr9:121,327,363, C>T. VCF-style: chr9-121327363-C-T. GRCh37 (hg19) VCF-style: chr9-124089641-C-T.
Other names: c.1796C>T, p.Pro599Leu (NM_000177.5); c.1643C>T, p.Pro548Leu (NM_001127662.2, NM_001127664.2, NM_001127665.2 and 10 more transcripts); c.1751C>T, p.Pro584Leu (NM_001127663.2); c.1676C>T, p.Pro559Leu (NM_001127666.2, NM_001127667.2, NM_001353063.2 and 13 more transcripts); c.1694C>T, p.Pro565Leu (NM_001258029.2); c.1667C>T, p.Pro556Leu (NM_001258030.2); c.1715C>T, p.Pro572Leu (NM_001353076.2); c.989C>T, p.Pro330Leu (NM_001353078.2); short protein forms P330L, P565L, P572L, P584L, P548L, P599L, P556L, P559L.
Identifiers: ClinVar variation 1780265 (VCV001780265.2), dbSNP rs1417499787, ClinGen allele CA374755775.

ClinVar aggregate classification (germline): Uncertain significance (1 of 4 stars; one submission).

Conditions:
Inborn genetic diseases. Identifiers: MedGen C0950123, MeSH D030342.

Submission:

Ambry Genetics
Classification: Uncertain significance for Inborn genetic diseases. Last evaluated: 2021-01-15. Review status: criteria provided, single submitter. Criteria: Ambry Variant Classification Scheme 2023. Collection method: clinical testing. Allele origin: germline.
Comment: The p.P599L variant (also known as c.1796C>T), located in coding exon 13 of the GSN gene, results from a C to T substitution at nucleotide position 1796. The proline at codon 599 is replaced by leucine, an amino acid with similar properties. This amino acid position is highly conserved in available vertebrate species. In addition, this alteration is predicted to be deleterious by in silico analysis. Since supporting evidence is limited at this time, the clinical significance of this alteration remains unclear.